The following is an entry in ClinVar:

ClinVar aggregate classification (germline): Uncertain significance (1 of 4 stars; one submission).

gnomAD v4.1: 2 of 1,614,030 alleles (0.00012%); highest among the groups gnomAD compares: Non-Finnish European, 0.00017%; no homozygotes.

Submission:

Labcorp Genetics (formerly Invitae), Labcorp
Classification: Uncertain significance. Last evaluated: 2025-10-09. Review status: criteria provided, single submitter. Criteria: Invitae Variant Classification Sherloc (09022015). Collection method: clinical testing. Allele origin: germline.
Comment: This sequence change replaces glutamic acid, which is acidic and polar, with lysine, which is basic and polar, at codon 2190 of the LAMA1 protein (p.Glu2190Lys). This variant is not present in population databases (gnomAD no frequency). This variant has not been reported in the literature in individuals affected with LAMA1-related conditions. Invitae Evidence Modeling of protein sequence and biophysical properties (such as structural, functional, and spatial information, amino acid conservation, physicochemical variation, residue mobility, and thermodynamic stability) indicates that this missense variant is expected to disrupt LAMA1 protein function with a positive predictive value of 80%. In summary, the available evidence is currently insufficient to determine the role of this variant in disease. Therefore, it has been classified as a Variant of Uncertain Significance.

NM_005559.4(LAMA1):c.6568G>A (p.Glu2190Lys)

Gene: LAMA1 (laminin subunit alpha 1; minus strand). Cytogenetic location: 18p11.31.
Variant type: single nucleotide variant.
Coding change: c.6568G>A on transcript NM_005559.4 (MANE Select); coding-DNA position 6568, G replaced by A.
Protein change: p.Glu2190Lys; replaces glutamic acid 2190 with lysine.
Molecular consequence: missense variant.
Genome position (GRCh38, 1-based): chr18:6,974,958, C>T on the plus strand (G>A on the coding strand, the complement: LAMA1 is on the minus strand). VCF-style: chr18-6974958-C-T. GRCh37 (hg19) VCF-style: chr18-6974957-C-T.
Other names: short protein forms E2190K.
Identifiers: ClinVar variation 4744135 (VCV004744135.1).